The following is an entry in ClinVar:

ClinVar aggregate classification (germline): Likely benign. Review status: criteria provided, multiple submitters, no conflicts (2 of 4 stars). 3 submissions from 3 submitters: Likely benign (2). 1 of the submissions does not count toward it. Last evaluated 2025-10-24.

Conditions:
GCH1-related disorder. Also called: GCH1-related condition.
Dystonia 5 (DRD). Also called: DYSTONIA, PROGRESSIVE, WITH DIURNAL VARIATION; DYSTONIA-PARKINSONISM WITH DIURNAL FLUCTUATION; Dystonia, DOPA-responsive, with or without hyperphenylalaninemia; DYT-GCH1; GTP Cyclohydrolase 1-Deficient Dopa-Responsive Dystonia. Identifiers: Orphanet 98808, MedGen C1851920, MONDO:0007495, OMIM 128230.
GTP cyclohydrolase I deficiency. Identifiers: MedGen C0268467, MONDO:0100184.

Allele frequency attached by ClinVar (database versions not stated): gnomAD exomes 0.00002 and 0.00003; ExAC 0.00005; gnomAD 0.00006 and 0.00008; TOPMed 0.00019.
gnomAD v4.1: 46 of 1,524,146 alleles (0.003%); highest among the groups gnomAD compares: Middle Eastern, 0.034%; no homozygotes.

Submissions (3):

Labcorp Genetics (formerly Invitae), Labcorp
Classification: Likely benign for GTP cyclohydrolase I deficiency; Dystonia 5. Last evaluated: 2025-10-24. Review status: criteria provided, single submitter. Criteria: Invitae Variant Classification Sherloc (09022015). Collection method: clinical testing. Allele origin: germline.

Blueprint Genetics
Classification: Likely benign. Last evaluated: 2023-08-24. Review status: criteria provided, single submitter. Criteria: ACMG Guidelines, 2015. Collection method: clinical testing. Allele origin: germline.

PreventionGenetics, part of Exact Sciences
Classification: Likely benign for GCH1-related condition. Last evaluated: 2019-06-20. Review status: no assertion criteria provided. Collection method: clinical testing. Allele origin: germline. Not counted in ClinVar's aggregate classification.
Comment: This variant is classified as likely benign based on ACMG/AMP sequence variant interpretation guidelines (Richards et al. 2015 PMID: 25741868, with internal and published modifications).

NM_000161.3(GCH1):c.354C>T (p.Asn118=)

Gene: GCH1 (GTP cyclohydrolase 1; minus strand). Cytogenetic location: 14q22.2.
Variant type: single nucleotide variant.
Coding change: c.354C>T on transcript NM_000161.3 (MANE Select); coding-DNA position 354, C replaced by T.
Protein change: p.Asn118=; no amino-acid change (asparagine 118 retained).
Molecular consequence: synonymous variant.
Genome position (GRCh38, 1-based): chr14:54,865,426, G>A on the plus strand (C>T on the coding strand, the complement: GCH1 is on the minus strand). VCF-style: chr14-54865426-G-A. GRCh37 (hg19) VCF-style: chr14-55332144-G-A.
Other names: c.354C>T, p.Asn118= (NM_001024024.2, NM_001024070.2, NM_001024071.2).
Identifiers: ClinVar variation 701169 (VCV000701169.12), dbSNP rs779337121, ClinGen allele CA7193607.